The following is an entry in ClinVar:

NM_001005242.3(PKP2):c.102dup (p.Glu35fs)

Gene: PKP2 (plakophilin 2; minus strand). Cytogenetic location: 12p11.21.
Variant type: Duplication.
Coding change: c.102dup on transcript NM_001005242.3 (MANE Select); coding-DNA position 102, one base duplicated (C; older notation c.102dupC).
Protein change: p.Glu35fs; shifts the reading frame from glutamic acid 35.
Molecular consequence: frameshift variant. On other transcripts: 5 prime UTR variant (4).
Genome position (GRCh38, 1-based): chr12:32,896,630, G duplicated on the plus strand (C on the coding strand, the reverse complement: PKP2 is on the minus strand); the first of 2 consecutive G bases (chr12:32,896,630-32,896,631); duplicating either gives the same sequence. VCF-style (leftmost placement, unchanged base first): chr12-32896629-C-CG. GRCh37 (hg19) VCF-style: chr12-33049563-C-CG.
Other names: c.102dup, p.Glu35fs (NM_001407155.1, NM_001407156.1, NM_001407157.1 and 2 more transcripts); c.-725dup (NM_001407158.1, NM_001407162.1); c.-489dup (NM_001407159.1, NM_001407160.1); short protein forms E35fs.
Identifiers: ClinVar variation 2584837 (VCV002584837.1), dbSNP rs2541384720, ClinGen allele CA2582342495.

ClinVar aggregate classification (germline): Likely pathogenic (1 of 4 stars; one submission).

Conditions:
Arrhythmogenic right ventricular dysplasia 9 (ARVD9). Also called: Arrhythmogenic Right Ventricular Dysplasia/Cardiomyopathy 9; ARRHYTHMOGENIC RIGHT VENTRICULAR DYSPLASIA, FAMILIAL, 9. Identifiers: MedGen C1836906, MONDO:0012180, OMIM 609040.

Submission:

Neuberg Centre For Genomic Medicine, NCGM
Classification: Likely pathogenic for Arrhythmogenic right ventricular dysplasia 9. Review status: criteria provided, single submitter. Criteria: ACMG Guidelines, 2015. Collection method: clinical testing. Allele origin: germline. Inheritance: Autosomal dominant inheritance. Affected: yes.
Comment: The frame shift c.102dup (p.Glu35ArgfsTer51) variant has not been reported previously as a pathogenic variant nor as a benign variant, to our knowledge. The p.Glu35ArgfsTer51 variant is novel (not in any individuals) in gnomAD Exomes and is novel (not in any individuals) in 1000 Genomes. This variant has not been reported to the ClinVar database. This variant causes a frameshift starting with codon Glutamic Acid 35, changes this amino acid to Arginine residue, and creates a premature Stop codon at position 51 of the new reading frame, denoted p.Glu35ArgfsTer51. This variant is predicted to cause loss of normal protein function through protein truncation. Loss of function variants have been previously reported to be disease causing. For these reasons, this variant has been classified as Likely Pathogenic.